The following is an entry in ClinVar:

ClinVar aggregate classification (germline): Likely benign. Review status: criteria provided, multiple submitters, no conflicts (2 of 4 stars). 3 submissions from 3 submitters: Likely benign (3). Last evaluated 2025-12-22.

Conditions:
BEST1-related disorder. Also called: BEST1-related disorders; BEST1-related condition. Identifiers: MedGen CN239200.

Allele frequency attached by ClinVar (database versions not stated): ExAC 0.00005; gnomAD exomes 0.00006 and 0.00009; TOPMed 0.00008; gnomAD 0.00009; 1000 Genomes Project 30x 0.00016; 1000 Genomes Project 0.00020.
gnomAD v4.1: 143 of 1,614,198 alleles (0.0089%); highest among the groups gnomAD compares: South Asian, 0.02%; no homozygotes.

Submissions (3):

Labcorp Genetics (formerly Invitae), Labcorp
Classification: Likely benign. Last evaluated: 2025-12-22. Review status: criteria provided, single submitter. Criteria: Invitae Variant Classification Sherloc (09022015). Collection method: clinical testing. Allele origin: germline.

PreventionGenetics, part of Exact Sciences
Classification: Likely benign for BEST1-related condition. Last evaluated: 2025-09-11. Review status: criteria provided, single submitter. Criteria: ACMG Guidelines, 2015. Collection method: clinical testing. Allele origin: germline.
Comment: This variant is classified as likely benign based on ACMG/AMP sequence variant interpretation guidelines (Richards et al. 2015 PMID: 25741868, with internal and published modifications).

Blueprint Genetics
Classification: Likely benign. Last evaluated: 2023-05-30. Review status: criteria provided, single submitter. Criteria: ACMG Guidelines, 2015. Collection method: clinical testing. Allele origin: germline.

NM_004183.4(BEST1):c.1305C>T (p.Asn435=)

Gene: BEST1 (bestrophin 1; plus strand). Cytogenetic location: 11q12.3.
Variant type: single nucleotide variant.
Coding change: c.1305C>T on transcript NM_004183.4 (MANE Select); coding-DNA position 1305, C replaced by T.
Protein change: p.Asn435=; no amino-acid change (asparagine 435 retained).
Molecular consequence: synonymous variant. On other transcripts: non-coding transcript variant (1).
Genome position (GRCh38, 1-based): chr11:61,962,459, C>T. VCF-style: chr11-61962459-C-T. GRCh37 (hg19) VCF-style: chr11-61729931-C-T.
Other names: c.1125C>T, p.Asn375= (NM_001139443.3, NM_001300787.2); c.1044C>T, p.Asn348= (NM_001300786.2); c.987C>T, p.Asn329= (NM_001363591.3); c.*200C>T (NM_001363592.2); c.333C>T, p.Asn111= (NM_001363593.3); c.1305C>T (NM_004183.3).
Identifiers: ClinVar variation 1084492 (VCV001084492.11), dbSNP rs532728444, ClinGen allele CA6041033.